The following is an entry in ClinVar:

NM_152564.5(VPS13B):c.4260G>A (p.Gln1420=)

Gene: VPS13B (vacuolar protein sorting 13 homolog B; plus strand). Cytogenetic location: 8q22.2.
Variant type: single nucleotide variant.
Coding change: c.4260G>A on transcript NM_152564.5 (MANE Select); coding-DNA position 4260, G replaced by A.
Protein change: p.Gln1420=; no amino-acid change (glutamine 1420 retained).
Molecular consequence: synonymous variant.
Genome position (GRCh38, 1-based): chr8:99,511,139, G>A. VCF-style: chr8-99511139-G-A. GRCh37 (hg19) VCF-style: chr8-100523367-G-A.
Other names: c.4335G>A, p.Gln1445= (NM_017890.5); c.4260G>A (NM_152564.4).
Identifiers: ClinVar variation 1636403 (VCV001636403.10), dbSNP rs376118865, ClinGen allele CA4823507.
Genomic context (GRCh38, chr8:99,511,139, plus strand): 5'-TTGTGATTTCCTTTTTTTGGAACAGACAACTACAAAACTTCTAGATGGCACTCATCAGCA[G>A]CATGGATTCCTCTCTCTGACATACACAAAAGCTGTAACAAAAAATGTCCGCCACAAGTTA-3'
Protein context (NP_689777.3, residues 1410-1430): TTKLLDGTHQ[Gln1420=]HGFLSLTYTK

ClinVar aggregate classification (germline): Likely benign. Review status: criteria provided, multiple submitters, no conflicts (2 of 4 stars). 3 submissions from 3 submitters: Likely benign (3). Last evaluated 2025-10-26.

Conditions:
VPS13B-related disorder. Also called: VPS13B-related condition.
Cohen syndrome (COH1). Also called: PEPPER SYNDROME; Cutis verticis gyrata, retinitis pigmentosa, and sensorineural deafness. Identifiers: Orphanet 193, MedGen C0265223, MONDO:0008999, OMIM 216550.

Allele frequency attached by ClinVar (database versions not stated): gnomAD exomes 0.00001 and below 0.00001; TOPMed 0.00002; ESP Exome Variant Server 0.00008; ExAC 0.00001; gnomAD 0.00001.
gnomAD v4.1: 4 of 1,613,492 alleles (0.00025%); highest among the groups gnomAD compares: African/African-American, 0.004%; no homozygotes.

Submissions (3):

PreventionGenetics, part of Exact Sciences
Classification: Likely benign for VPS13B-related condition. Last evaluated: 2025-10-26. Review status: criteria provided, single submitter. Criteria: ACMG Guidelines, 2015. Collection method: clinical testing. Allele origin: germline.
Comment: This variant is classified as likely benign based on ACMG/AMP sequence variant interpretation guidelines (Richards et al. 2015 PMID: 25741868, with internal and published modifications).

Labcorp Genetics (formerly Invitae), Labcorp
Classification: Likely benign for Cohen syndrome. Last evaluated: 2024-09-17. Review status: criteria provided, single submitter. Criteria: Invitae Variant Classification Sherloc (09022015). Collection method: clinical testing. Allele origin: germline.

Blueprint Genetics
Classification: Likely benign. Last evaluated: 2022-07-18. Review status: criteria provided, single submitter. Criteria: ACMG Guidelines, 2015. Collection method: clinical testing. Allele origin: germline.